The following is an entry in ClinVar:

NM_033305.3(VPS13A):c.6840T>C (p.His2280=)

Gene: VPS13A (vacuolar protein sorting 13 homolog A; plus strand). Cytogenetic location: 9q21.2.
Variant type: single nucleotide variant.
Coding change: c.6840T>C on transcript NM_033305.3 (MANE Select); coding-DNA position 6840, T replaced by C.
Protein change: p.His2280=; no amino-acid change (histidine 2280 retained).
Molecular consequence: synonymous variant.
Genome position (GRCh38, 1-based): chr9:77,340,243, T>C. VCF-style: chr9-77340243-T-C. GRCh37 (hg19) VCF-style: chr9-79955159-T-C.
Other names: c.6723T>C, p.His2241= (NM_001018037.2); c.6840T>C, p.His2280= (NM_001018038.3, NM_015186.4).
Identifiers: ClinVar variation 700226 (VCV000700226.16), dbSNP rs750072063, ClinGen allele CA5093133.

ClinVar aggregate classification (germline): Conflicting classifications of pathogenicity. Review status: criteria provided, conflicting classifications (1 of 4 stars). 3 submissions from 3 submitters: Uncertain significance (1); Likely benign (1). 1 of the submissions does not count toward it. Last evaluated 2024-02-12.

Conditions:
VPS13A-related disorder. Also called: VPS13A-related condition.
VPS13A-related neurodegenerative disease. Also called: Choreoacanthocytosis; Chorea-acanthocytosis; VPS13A Disease; Choreaacanthocytosis; LEVINE-CRITCHLEY SYNDROME; ACANTHOCYTOSIS WITH NEUROLOGIC DISORDER. Identifiers: Orphanet 2388, MedGen C0393576, MONDO:0008695, OMIM 200150.

Allele frequency attached by ClinVar (database versions not stated): gnomAD exomes below 0.00001 and 0.00009; ExAC 0.00001; TOPMed 0.00002; gnomAD 0.00003 and 0.00004.
gnomAD v4.1: 145 of 1,613,286 alleles (0.009%); highest among the groups gnomAD compares: Non-Finnish European, 0.011%; no homozygotes.

Submissions (3):

Labcorp Genetics (formerly Invitae), Labcorp
Classification: Likely benign. Last evaluated: 2024-02-12. Review status: criteria provided, single submitter. Criteria: Invitae Variant Classification Sherloc (09022015). Collection method: clinical testing. Allele origin: germline.

Illumina Laboratory Services, Illumina
Classification: Uncertain significance for VPS13A-related neurodegenerative disease. Last evaluated: 2018-01-13. Review status: criteria provided, single submitter. Criteria: ICSL Variant Classification Criteria 13 December 2019. Collection method: clinical testing. Allele origin: germline.

PreventionGenetics, part of Exact Sciences
Classification: Likely benign for VPS13A-related condition. Last evaluated: 2019-05-28. Review status: no assertion criteria provided. Collection method: clinical testing. Allele origin: germline. Not counted in ClinVar's aggregate classification.
Comment: This variant is classified as likely benign based on ACMG/AMP sequence variant interpretation guidelines (Richards et al. 2015 PMID: 25741868, with internal and published modifications).